The following is an entry in ClinVar:

ClinVar aggregate classification (germline): Uncertain significance (1 of 4 stars; one submission).

Submission:

GeneDx
Classification: Uncertain significance. Last evaluated: 2022-04-06. Review status: criteria provided, single submitter. Criteria: GeneDx Variant Classification Process June 2021. Collection method: clinical testing. Allele origin: germline. Affected: yes.
Comment: Not observed at significant frequency in large population cohorts (gnomAD); In silico analysis supports that this variant does not alter protein structure/function; Has not been previously published as pathogenic or benign to our knowledge

NM_000352.6(ABCC8):c.1138_1139delinsAA (p.Ala380Asn)

Gene: ABCC8 (ATP binding cassette subfamily C member 8; minus strand). Cytogenetic location: 11p15.1.
Variant type: Indel.
Coding change: c.1138_1139delinsAA on transcript NM_000352.6 (MANE Select); coding-DNA positions 1138 to 1139, GC replaced by AA.
Protein change: p.Ala380Asn; replaces alanine 380 with asparagine.
Molecular consequence: missense variant. On other transcripts: non-coding transcript variant (1).
Genome position (GRCh38, 1-based): chr11:17,453,156-17,453,157, GC replaced by TT on the plus strand (GC replaced by AA on the coding strand, the reverse complement: ABCC8 is on the minus strand). VCF-style: chr11-17453156-GC-TT. GRCh37 (hg19) VCF-style: chr11-17474703-GC-TT.
Other names: c.1138_1139delinsAA, p.Ala380Asn (NM_001287174.3, NM_001351295.2); c.1135_1136delinsAA, p.Ala379Asn (NM_001351296.2, NM_001351297.2); short protein forms A379N, A380N.
Identifiers: ClinVar variation 1712002 (VCV001712002.2), dbSNP rs2496810169, ClinGen allele CA2580082740.